The following is an entry in ClinVar:

ClinVar aggregate classification (germline): Conflicting classifications of pathogenicity. Review status: criteria provided, conflicting classifications (1 of 4 stars). 3 submissions from 3 submitters: Likely pathogenic (1); Uncertain significance (2). Last evaluated 2026-06-16.

Conditions:
Cardiovascular phenotype. Identifiers: MedGen CN230736.
Hypertrophic cardiomyopathy 11. Also called: ACTC1-Related Familial Hypertrophic Cardiomyopathy. Identifiers: MedGen C2677506, MONDO:0012799, OMIM 612098.
Dilated cardiomyopathy 1R (CMD1R). Identifiers: Orphanet 154, Orphanet 54260, MedGen C3150681, MONDO:0013261, OMIM 613424.
Atrial septal defect 5 (ASD5). Identifiers: Orphanet 1478, MedGen C2748552, MONDO:0013011, OMIM 612794.

Submissions (3):

Ambry Genetics
Classification: Likely pathogenic for Cardiovascular phenotype. Last evaluated: 2026-06-16. Review status: criteria provided, single submitter. Criteria: Ambry Variant Classification Scheme 2023. Collection method: clinical testing. Allele origin: germline.
Comment: The p.I252T variant (also known as c.755T>C), located in coding exon 4 of the ACTC1 gene, results from a T to C substitution at nucleotide position 755. The isoleucine at codon 252 is replaced by threonine, an amino acid with similar properties. This variant was reported in individual(s) with features consistent with ACTC1-related dilated cardiomyopathy (Dal Ferro M et al. Heart, 2017 Nov;103:1704-1710; Ambry internal data; external communication). This amino acid position is highly conserved in available vertebrate species. In addition, this alteration is predicted to be deleterious by in silico analysis. This missense variant is located in a region that has a low rate of benign missense variation (Lek M et al. Nature. 2016 Aug 18;536(7616):285-91; DECIPHER: Database of Chromosomal Imbalance and Phenotype in Humans using Ensembl Resources. Firth H.V. et al. 2009. Am.J.Hum.Genet. 84, 524-533 (DOI)). This variant is considered to be rare based on population cohorts in the Genome Aggregation Database (gnomAD). Based on the majority of available evidence to date, this variant is likely to be pathogenic.

GeneDx
Classification: Uncertain significance. Last evaluated: 2023-08-22. Review status: criteria provided, single submitter. Criteria: GeneDx Variant Classification Process June 2021. Collection method: clinical testing. Allele origin: germline. Affected: yes.
Comment: Not observed at significant frequency in large population cohorts (gnomAD); In silico analysis supports that this missense variant has a deleterious effect on protein structure/function; This variant is associated with the following publications: (PMID: 28416588)

Labcorp Genetics (formerly Invitae), Labcorp
Classification: Uncertain significance for Dilated cardiomyopathy 1R; Hypertrophic cardiomyopathy 11; Atrial septal defect 5. Last evaluated: 2022-06-20. Review status: criteria provided, single submitter. Criteria: Invitae Variant Classification Sherloc (09022015). Collection method: clinical testing. Allele origin: germline.
Comment: In summary, the available evidence is currently insufficient to determine the role of this variant in disease. Therefore, it has been classified as a Variant of Uncertain Significance. Algorithms developed to predict the effect of missense changes on protein structure and function (SIFT, PolyPhen-2, Align-GVGD) all suggest that this variant is likely to be disruptive. ClinVar contains an entry for this variant (Variation ID: 180763). This missense change has been observed in individual(s) with dilated cardiomyopathy (PMID: 28416588). This variant is not present in population databases (gnomAD no frequency). This sequence change replaces isoleucine, which is neutral and non-polar, with threonine, which is neutral and polar, at codon 252 of the ACTC1 protein (p.Ile252Thr).

Literature cited by the submitters: PubMed 28416588 (cited by Ambry Genetics and Labcorp Genetics (formerly Invitae), Labcorp).

NM_005159.5(ACTC1):c.755T>C (p.Ile252Thr)

Genes: ACTC1 (actin alpha cardiac muscle 1; minus strand), GJD2-DT (GJD2 divergent transcript; plus strand). Cytogenetic location: 15q14.
Variant type: single nucleotide variant.
Coding change: c.755T>C on transcript NM_005159.5 (MANE Select); coding-DNA position 755, T replaced by C.
Protein change: p.Ile252Thr; replaces isoleucine 252 with threonine.
Molecular consequence: missense variant.
Genome position (GRCh38, 1-based): chr15:34,792,143, A>G on the plus strand (T>C on the coding strand, the complement: ACTC1 is on the minus strand). VCF-style: chr15-34792143-A-G. GRCh37 (hg19) VCF-style: chr15-35084344-A-G.
Other names: p.I252T:ATT>ACT; c.755T>C (LRG_388t1); short protein forms I252T.
Identifiers: ClinVar variation 180763 (VCV000180763.16), dbSNP rs730880398, ClinGen allele CA019894.
Genomic context (GRCh38, chr15:34,792,143, plus strand): 5'-AACTCACCAATGAAGGAGGGCTGGAAGAGTGTCTCAGGACAGCGGAAGCGCTCATTGCCA[A>G]TAGTGATGACTTGGCCATCAGGCAGTTCATAGCTCTTCTCCAGGGAGGAGGAAGAGGCAG-3'
Protein context (NP_005150.1, residues 242-262): YELPDGQVIT[Ile252Thr]GNERFRCPET